The following is an entry in ClinVar:

ClinVar aggregate classification (germline): Uncertain significance. Review status: criteria provided, multiple submitters, no conflicts (2 of 4 stars). 3 submissions from 3 submitters: Uncertain significance (3). Last evaluated 2024-11-07.

Conditions:
Inborn genetic diseases. Identifiers: MedGen C0950123, MeSH D030342.

Allele frequency attached by ClinVar (database versions not stated): TOPMed below 0.00001; ExAC 0.00001; gnomAD 0.00001; gnomAD exomes 0.00001.
gnomAD v4.1: 9 of 1,614,068 alleles (0.00056%); highest among the groups gnomAD compares: East Asian, 0.0045%; no homozygotes.

Submissions (3):

Labcorp Genetics (formerly Invitae), Labcorp
Classification: Uncertain significance. Last evaluated: 2024-11-07. Review status: criteria provided, single submitter. Criteria: Invitae Variant Classification Sherloc (09022015). Collection method: clinical testing. Allele origin: germline.
Comment: This sequence change replaces serine, which is neutral and polar, with leucine, which is neutral and non-polar, at codon 444 of the FBLN5 protein (p.Ser444Leu). This variant is present in population databases (rs749952010, gnomAD 0.006%). This variant has not been reported in the literature in individuals affected with FBLN5-related conditions. ClinVar contains an entry for this variant (Variation ID: 870929). Invitae Evidence Modeling of protein sequence and biophysical properties (such as structural, functional, and spatial information, amino acid conservation, physicochemical variation, residue mobility, and thermodynamic stability) indicates that this missense variant is expected to disrupt FBLN5 protein function with a positive predictive value of 80%. In summary, the available evidence is currently insufficient to determine the role of this variant in disease. Therefore, it has been classified as a Variant of Uncertain Significance.

Ambry Genetics
Classification: Uncertain significance for Inborn genetic diseases. Last evaluated: 2024-10-01. Review status: criteria provided, single submitter. Criteria: Ambry Variant Classification Scheme 2023. Collection method: clinical testing. Allele origin: germline.

CeGaT Center for Human Genetics Tuebingen
Classification: Uncertain significance. Last evaluated: 2019-09-01. Review status: criteria provided, single submitter. Criteria: CeGaT Center For Human Genetics Tuebingen Variant Classification Criteria Version 2. Collection method: clinical testing. Allele origin: germline. Affected: yes. Observed: 2 variant alleles.

NM_006329.4(FBLN5):c.1331C>T (p.Ser444Leu)

Gene: FBLN5 (fibulin 5; minus strand). Cytogenetic location: 14q32.12.
Variant type: single nucleotide variant.
Coding change: c.1331C>T on transcript NM_006329.4 (MANE Select); coding-DNA position 1331, C replaced by T.
Protein change: p.Ser444Leu; replaces serine 444 with leucine.
Molecular consequence: missense variant. On other transcripts: 3 prime UTR variant (2).
Genome position (GRCh38, 1-based): chr14:91,870,240, G>A on the plus strand (C>T on the coding strand, the complement: FBLN5 is on the minus strand). VCF-style: chr14-91870240-G-A. GRCh37 (hg19) VCF-style: chr14-92336584-G-A.
Other names: c.1331C>T (NM_006329.3); c.1454C>T, p.Ser485Leu (NM_001384158.1); c.1382C>T, p.Ser461Leu (NM_001384159.1); c.*115C>T (NM_001384160.1, NM_001384161.1); c.1163C>T, p.Ser388Leu (NM_001384162.1); short protein forms S444L, S388L, S461L, S485L.
Identifiers: ClinVar variation 870929 (VCV000870929.47), dbSNP rs749952010, ClinGen allele CA7312560.